The following is an entry in ClinVar:

ClinVar aggregate classification (germline): Uncertain significance (1 of 4 stars; one submission).

Conditions:
Fanconi anemia complementation group J. Also called: BRIP1-Related Fanconi Anemia. Identifiers: Orphanet 84, MedGen C1836860, MONDO:0012187, OMIM 609054.
Familial cancer of breast. Also called: BREAST CANCER, FAMILIAL; Hereditary breast cancer; hereditary breast carcinoma. Identifiers: Orphanet 227535, MedGen C0346153, MONDO:0016419, OMIM 114480. Disease mechanism: loss of function.

Submission:

Labcorp Genetics (formerly Invitae), Labcorp
Classification: Uncertain significance for Familial cancer of breast; Fanconi anemia complementation group J. Last evaluated: 2025-07-15. Review status: criteria provided, single submitter. Criteria: Invitae Variant Classification Sherloc (09022015). Collection method: clinical testing. Allele origin: germline.
Comment: This sequence change creates a premature translational stop signal (p.Asp1127Serfs*20) in the BRIP1 gene. While this is not anticipated to result in nonsense mediated decay, it is expected to disrupt the last 123 amino acid(s) of the BRIP1 protein. This variant is not present in population databases (gnomAD no frequency). This variant has not been reported in the literature in individuals affected with BRIP1-related conditions. Experimental studies and prediction algorithms are not available or were not evaluated, and the functional significance of this variant is currently unknown. In summary, the available evidence is currently insufficient to determine the role of this variant in disease. Therefore, it has been classified as a Variant of Uncertain Significance.

NM_032043.3(BRIP1):c.3379_3388del (p.Asp1127fs)

Gene: BRIP1 (BRCA1 interacting DNA helicase 1; minus strand). Cytogenetic location: 17q23.2.
Variant type: Deletion.
Coding change: c.3379_3388del on transcript NM_032043.3 (MANE Select); coding-DNA positions 3379 to 3388, 10 bases deleted (GATGAATCTA; older notation c.3379_3388delGATGAATCTA).
Protein change: p.Asp1127fs; shifts the reading frame from aspartic acid 1127.
Molecular consequence: frameshift variant.
Genome position (GRCh38, 1-based): chr17:61,683,658-61,683,667, TAGATTCATC deleted on the plus strand (GATGAATCTA on the coding strand, the reverse complement: BRIP1 is on the minus strand); deleting any 10 consecutive bases within chr17:61,683,658-61,683,668 gives the same sequence; the c. name uses the placement nearest the transcript's 3' end. VCF-style (leftmost placement, unchanged base first): chr17-61683657-ATAGATTCATC-A. GRCh37 (hg19) VCF-style: chr17-59761018-ATAGATTCATC-A.
Other names: short protein forms D1127fs.
Identifiers: ClinVar variation 4785581 (VCV004785581.1).
Genomic context (GRCh38, chr17:61,683,657, plus strand): 5'-GCTAGGTCATTTTTTTCTTCATCTGTATCTTCAGGATCATAAAGTTCAGGTGTAAAATAG[ATAGATTCATC>A]TTCTGCTTCTGTTTCAAAATCTCTATTTGAAGTGGACTGTTTATCTTCTTCACTTACTAG-3'